The following is an entry in ClinVar:

NM_001199138.2(NLRC4):c.1047G>T (p.Met349Ile)

Gene: NLRC4 (NLR family CARD domain containing 4; minus strand). Cytogenetic location: 2p22.3.
Variant type: single nucleotide variant.
Coding change: c.1047G>T on transcript NM_001199138.2 (MANE Select); coding-DNA position 1047, G replaced by T.
Protein change: p.Met349Ile; replaces methionine 349 with isoleucine.
Molecular consequence: missense variant. On other transcripts: intron variant (1).
Genome position (GRCh38, 1-based): chr2:32,250,817, C>A on the plus strand (G>T on the coding strand, the complement: NLRC4 is on the minus strand). VCF-style: chr2-32250817-C-A. GRCh37 (hg19) VCF-style: chr2-32475886-C-A.
Other names: c.1047G>T, p.Met349Ile (NM_001199139.2, NM_021209.5); c.262+1602G>T (NM_001302504.1); short protein forms M349I.
Identifiers: ClinVar variation 860902 (VCV000860902.10), dbSNP rs1331116780, ClinGen allele CA346513686.

ClinVar aggregate classification (germline): Uncertain significance (1 of 4 stars; one submission).

Conditions:
Familial cold autoinflammatory syndrome 4 (FCAS4). Identifiers: Orphanet 47045, Orphanet 576349, MedGen C4015276, MONDO:0014498, OMIM 616115.
Periodic fever-infantile enterocolitis-autoinflammatory syndrome. Also called: Autoinflammation with infantile enterocolitis. Identifiers: Orphanet 436166, MedGen C4015067, MONDO:0014472, OMIM 616050.

Allele frequency attached by ClinVar (database versions not stated): gnomAD 0.00002; gnomAD exomes below 0.00001.
gnomAD v4.1: 11 of 1,614,042 alleles (0.00068%); highest among the groups gnomAD compares: Non-Finnish European, 0.00085%; no homozygotes.

Submission:

Labcorp Genetics (formerly Invitae), Labcorp
Classification: Uncertain significance for Periodic fever-infantile enterocolitis-autoinflammatory syndrome; Familial cold autoinflammatory syndrome 4. Last evaluated: 2024-08-05. Review status: criteria provided, single submitter. Criteria: Invitae Variant Classification Sherloc (09022015). Collection method: clinical testing. Allele origin: germline.
Comment: This sequence change replaces methionine, which is neutral and non-polar, with isoleucine, which is neutral and non-polar, at codon 349 of the NLRC4 protein (p.Met349Ile). This variant is present in population databases (no rsID available, gnomAD 0.002%). This variant has not been reported in the literature in individuals affected with NLRC4-related conditions. ClinVar contains an entry for this variant (Variation ID: 860902). Advanced modeling of protein sequence and biophysical properties (such as structural, functional, and spatial information, amino acid conservation, physicochemical variation, residue mobility, and thermodynamic stability) has been performed at Invitae for this missense variant, however the output from this modeling did not meet the statistical confidence thresholds required to predict the impact of this variant on NLRC4 protein function. In summary, the available evidence is currently insufficient to determine the role of this variant in disease. Therefore, it has been classified as a Variant of Uncertain Significance.